The following is an entry in ClinVar:

ClinVar aggregate classification (germline): Uncertain significance (1 of 4 stars; one submission).

Conditions:
Dyskeratosis congenita, autosomal dominant 2. Identifiers: MedGen C3151443, MONDO:0013521, OMIM 613989.
Idiopathic Pulmonary Fibrosis. Also called: Idiopathic fibrosing alveolitis, chronic form; idiopathic fibrosing alveolitis. Identifiers: Orphanet 2032, MedGen C1800706, MeSH D054990, MONDO:0800504.

Submission:

Labcorp Genetics (formerly Invitae), Labcorp
Classification: Uncertain significance for Dyskeratosis congenita, autosomal dominant 2; Idiopathic Pulmonary Fibrosis. Last evaluated: 2022-12-16. Review status: criteria provided, single submitter. Criteria: Invitae Variant Classification Sherloc (09022015). Collection method: clinical testing. Allele origin: germline.
Comment: In summary, the available evidence is currently insufficient to determine the role of this variant in disease. Therefore, it has been classified as a Variant of Uncertain Significance. This sequence change falls in intron 3 of the TERT gene. It does not directly change the encoded amino acid sequence of the TERT protein. It affects a nucleotide within the consensus splice site. This variant is not present in population databases (gnomAD no frequency). This variant has not been reported in the literature in individuals affected with TERT-related conditions. Variants that disrupt the consensus splice site are a relatively common cause of aberrant splicing (PMID: 17576681, 9536098). Algorithms developed to predict the effect of sequence changes on RNA splicing suggest that this variant is not likely to affect RNA splicing.

Literature cited by the submitters: PubMed 17576681; PubMed 9536098.

NM_198253.3(TERT):c.1769+4C>A

Gene: TERT (telomerase reverse transcriptase; minus strand). Cytogenetic location: 5p15.33.
Variant type: single nucleotide variant.
Coding change: c.1769+4C>A on transcript NM_198253.3 (MANE Select); 4 bases into the intron after coding-DNA position 1769, C replaced by A.
Molecular consequence: intron variant.
Genome position (GRCh38, 1-based): chr5:1,282,425, G>T on the plus strand (C>A on the coding strand, the complement: TERT is on the minus strand). VCF-style: chr5-1282425-G-T. GRCh37 (hg19) VCF-style: chr5-1282540-G-T.
Other names: c.1769+4C>A (NM_001193376.3).
Identifiers: ClinVar variation 2923504 (VCV002923504.3), dbSNP rs2478304440, ClinGen allele CA2740090806.
Genomic context (GRCh38, chr5:1,282,425, plus strand): 5'-TGCTGAGGCCGGGCTGGTGTTCCAGGACTTCGAGAAGCAGAGGCCTGGCGTGGGGATACA[G>T]TACCTGATTCCAATGCTTTGCAACTTGCTCCAGACACTCTTCCGGTAGAAAAAGAGCCTG-3'